The following is an entry in ClinVar:

ClinVar aggregate classification (germline): Uncertain significance (1 of 4 stars; one submission).

Allele frequency attached by ClinVar (database versions not stated): gnomAD exomes below 0.00001.
gnomAD v4.1: 1 of 1,222,816 alleles (0.000082%); highest among the groups gnomAD compares: Non-Finnish European, 0.00012%; no homozygotes.

Submission:

Labcorp Genetics (formerly Invitae), Labcorp
Classification: Uncertain significance. Last evaluated: 2022-01-15. Review status: criteria provided, single submitter. Criteria: Invitae Variant Classification Sherloc (09022015). Collection method: clinical testing. Allele origin: germline.
Comment: This sequence change falls in intron 1 of the KIZ gene. It does not directly change the encoded amino acid sequence of the KIZ protein. It affects a nucleotide within the consensus splice site. This variant is not present in population databases (gnomAD no frequency). This variant has not been reported in the literature in individuals affected with KIZ-related conditions. ClinVar contains an entry for this variant (Variation ID: 1011732). Variants that disrupt the consensus splice site are a relatively common cause of aberrant splicing (PMID: 17576681, 9536098). Algorithms developed to predict the effect of sequence changes on RNA splicing suggest that this variant is not likely to affect RNA splicing. In summary, the available evidence is currently insufficient to determine the role of this variant in disease. Therefore, it has been classified as a Variant of Uncertain Significance.

Literature cited by the submitters: PubMed 17576681; PubMed 9536098.

NM_018474.6(KIZ):c.90-3T>C

Gene: KIZ (kizuna centrosomal protein; plus strand). Cytogenetic location: 20p11.23.
Variant type: single nucleotide variant.
Coding change: c.90-3T>C on transcript NM_018474.6 (MANE Select); 3 bases into the intron before coding-DNA position 90, T replaced by C.
Molecular consequence: intron variant.
Genome position (GRCh38, 1-based): chr20:21,132,094, T>C. VCF-style: chr20-21132094-T-C. GRCh37 (hg19) VCF-style: chr20-21112735-T-C.
Other names: c.168+5890T>C (NM_001276389.2); c.-297-3T>C (NM_001352436.2); c.90-3T>C (NM_001352434.2); c.-57-3T>C (NM_001163022.3, NM_001352435.2, NM_001163023.3).
Identifiers: ClinVar variation 1011732 (VCV001011732.4), dbSNP rs2031885130, ClinGen allele CA2354740823.